The following is an entry in ClinVar:

ClinVar aggregate classification (germline): Uncertain significance. Review status: criteria provided, multiple submitters, no conflicts (2 of 4 stars). 6 submissions from 6 submitters: Uncertain significance (5). 1 of the submissions does not count toward it. Last evaluated 2023-06-29.

Conditions:
Glycogen storage disease, type II (IOPD). Also called: GLYCOGENOSIS, GENERALIZED, CARDIAC FORM; GSD II; POMPE DISEASE, INFANTILE-ONSET; GLYCOGEN STORAGE DISEASE II, INFANTILE-ONSET; ACID ALPHA-GLUCOSIDASE DEFICIENCY, INFANTILE-ONSET; GAA DEFICIENCY, INFANTILE-ONSET. Identifiers: Orphanet 365, MedGen C0017921, MONDO:0009290, OMIM 232300.

Allele frequency attached by ClinVar (database versions not stated): TOPMed below 0.00001; ExAC 0.00002; gnomAD exomes 0.00002.
gnomAD v4.1: 4 of 1,612,960 alleles (0.00025%); highest among the groups gnomAD compares: Admixed American, 0.0067%; no homozygotes.

Submissions (6):

3billion
Classification: Uncertain significance for Glycogen storage disease, type II. Last evaluated: 2023-06-29. Review status: criteria provided, single submitter. Criteria: ACMG Guidelines, 2015. Collection method: clinical testing. Allele origin: germline. Affected: yes.
Comment: The variant is observed at an extremely low frequency in the gnomAD v2.1.1 dataset (total allele frequency: 0.002%). Predicted Consequence/Location: Missense variant Therefore, this variant is classified as VUS according to the recommendation of ACMG/AMP guideline.

Labcorp Genetics (formerly Invitae), Labcorp
Classification: Uncertain significance for Glycogen storage disease, type II. Last evaluated: 2022-07-01. Review status: criteria provided, single submitter. Criteria: Invitae Variant Classification Sherloc (09022015). Collection method: clinical testing. Allele origin: germline.
Comment: This sequence change replaces leucine, which is neutral and non-polar, with valine, which is neutral and non-polar, at codon 138 of the GAA protein (p.Leu138Val). This variant is present in population databases (rs761221259, gnomAD 0.01%). This variant has not been reported in the literature in individuals affected with GAA-related conditions. ClinVar contains an entry for this variant (Variation ID: 290299). Advanced modeling of protein sequence and biophysical properties (such as structural, functional, and spatial information, amino acid conservation, physicochemical variation, residue mobility, and thermodynamic stability) performed at Invitae indicates that this missense variant is not expected to disrupt GAA protein function. Algorithms developed to predict the effect of sequence changes on RNA splicing suggest that this variant may create or strengthen a splice site. In summary, the available evidence is currently insufficient to determine the role of this variant in disease. Therefore, it has been classified as a Variant of Uncertain Significance.

Genome-Nilou Lab
Classification: Uncertain significance for Glycogen storage disease, type II. Last evaluated: 2021-09-05. Review status: criteria provided, single submitter. Criteria: ACMG Guidelines, 2015. Collection method: clinical testing. Allele origin: germline. Affected: no.

Revvity Omics, Revvity
Classification: Uncertain significance. Last evaluated: 2020-02-10. Review status: criteria provided, single submitter. Criteria: ACMG Guidelines, 2015. Collection method: clinical testing. Allele origin: germline.

Eurofins Ntd Llc (ga)
Classification: Uncertain significance. Last evaluated: 2016-09-17. Review status: criteria provided, single submitter. Criteria: EGL Classification Definitions 2015. Collection method: clinical testing. Allele origin: germline. Observed: 1 variant allele, 1 heterozygote.

Natera, Inc.
Classification: Uncertain significance for Glycogen storage disease type II. Last evaluated: 2021-06-18. Review status: no assertion criteria provided. Collection method: clinical testing. Allele origin: germline. Not counted in ClinVar's aggregate classification.

NM_000152.5(GAA):c.412C>G (p.Leu138Val)

Gene: GAA (alpha glucosidase; plus strand). Cytogenetic location: 17q25.3.
Variant type: single nucleotide variant.
Coding change: c.412C>G on transcript NM_000152.5 (MANE Select); coding-DNA position 412, C replaced by G.
Protein change: p.Leu138Val; replaces leucine 138 with valine.
Molecular consequence: missense variant.
Genome position (GRCh38, 1-based): chr17:80,104,998, C>G. VCF-style: chr17-80104998-C-G. GRCh37 (hg19) VCF-style: chr17-78078797-C-G.
Other names: c.412C>G (LRG_673t1); c.412C>G, p.Leu138Val (NM_001079803.3, NM_001079804.3); short protein forms L138V.
Identifiers: ClinVar variation 290299 (VCV000290299.17), dbSNP rs761221259, ClinGen allele CA8814868.